The following is an entry in ClinVar:

NM_004082.5(DCTN1):c.1288-10C>T

Gene: DCTN1 (dynactin subunit 1; minus strand). Cytogenetic location: 2p13.1.
Variant type: single nucleotide variant.
Coding change: c.1288-10C>T on transcript NM_004082.5 (MANE Select); 10 bases into the intron before coding-DNA position 1288, C replaced by T.
Molecular consequence: intron variant.
Genome position (GRCh38, 1-based): chr2:74,370,079, G>A on the plus strand (C>T on the coding strand, the complement: DCTN1 is on the minus strand). VCF-style: chr2-74370079-G-A. GRCh37 (hg19) VCF-style: chr2-74597206-G-A.
Other names: c.1288-10C>T (NM_004082.4); c.1177-10C>T (NM_001190836.2); c.1219-10C>T (NM_001378992.1); c.1237-10C>T (NM_001378991.1); c.1228-10C>T (NM_001135040.3); c.1267-10C>T (NM_001190837.2); c.886-10C>T (NM_001135041.3, NM_023019.4).
Identifiers: ClinVar variation 1145039 (VCV001145039.11), dbSNP rs72659375, ClinGen allele CA1722187.

ClinVar aggregate classification (germline): Likely benign. Review status: criteria provided, single submitter (1 of 4 stars). 2 submissions from 2 submitters: Likely benign (1). 1 of the submissions does not count toward it. Last evaluated 2025-11-24.

Conditions:
Neuronopathy, distal hereditary motor, type 7B. Also called: HMN VIIB; LOWER MOTOR NEURON DISEASE, DYNACTIN TYPE; NEURONOPATHY, DISTAL HEREDITARY MOTOR, AUTOSOMAL DOMINANT 14; NEURONOPATHY, DISTAL HEREDITARY MOTOR, HARDING TYPE VIIB; NEUROPATHY, DISTAL HEREDITARY MOTOR, HARDING TYPE VIIB; NEUROPATHY, DISTAL HEREDITARY MOTOR, WITH VOCAL CORD PARALYSIS, HARDING TYPE VIIB. Identifiers: Orphanet 139589, MedGen C1843315, MONDO:0011879, OMIM 607641.
Perry syndrome. Also called: PARKINSONISM WITH ALVEOLAR HYPOVENTILATION AND MENTAL DEPRESSION. Identifiers: Orphanet 178509, MedGen C1868594, MONDO:0008201, OMIM 168605.
Amyotrophic lateral sclerosis type 1 (ALS1). Also called: AMYOTROPHIC LATERAL SCLEROSIS 1, FAMILIAL. Identifiers: Orphanet 803, MedGen C1862939, MONDO:0007103, OMIM 105400.
DCTN1-related disorder. Also called: DCTN1-related condition.

Allele frequency attached by ClinVar (database versions not stated): ExAC 0.00002; gnomAD 0.00002; gnomAD exomes 0.00004; ESP Exome Variant Server 0.00015.
gnomAD v4.1: 57 of 1,614,020 alleles (0.0035%); highest among the groups gnomAD compares: East Asian, 0.013%; no homozygotes.

Submissions (2):

Labcorp Genetics (formerly Invitae), Labcorp
Classification: Likely benign for Amyotrophic lateral sclerosis type 1; Neuronopathy, distal hereditary motor, type 7B; Perry syndrome. Last evaluated: 2025-11-24. Review status: criteria provided, single submitter. Criteria: Invitae Variant Classification Sherloc (09022015). Collection method: clinical testing. Allele origin: germline.

PreventionGenetics, part of Exact Sciences
Classification: Likely benign for DCTN1-related condition. Last evaluated: 2022-11-28. Review status: no assertion criteria provided. Collection method: clinical testing. Allele origin: germline. Not counted in ClinVar's aggregate classification.
Comment: This variant is classified as likely benign based on ACMG/AMP sequence variant interpretation guidelines (Richards et al. 2015 PMID: 25741868, with internal and published modifications).